The following is an entry in ClinVar:

NM_004369.4(COL6A3):c.260C>G (p.Pro87Arg)

Gene: COL6A3 (collagen type VI alpha 3 chain; minus strand). Cytogenetic location: 2q37.3.
Variant type: single nucleotide variant.
Coding change: c.260C>G on transcript NM_004369.4 (MANE Select); coding-DNA position 260, C replaced by G.
Protein change: p.Pro87Arg; replaces proline 87 with arginine.
Molecular consequence: missense variant. On other transcripts: intron variant (4).
Genome position (GRCh38, 1-based): chr2:237,395,036, G>C on the plus strand (C>G on the coding strand, the complement: COL6A3 is on the minus strand). VCF-style: chr2-237395036-G-C. GRCh37 (hg19) VCF-style: chr2-238303679-G-C.
Other names: c.91+1691C>G (NM_057166.5, NM_057167.4, NM_057164.5 and 1 more transcripts); short protein forms P87R.
Identifiers: ClinVar variation 641765 (VCV000641765.11), dbSNP rs200887514, ClinGen allele CA2189904.

ClinVar aggregate classification (germline): Uncertain significance. Review status: criteria provided, multiple submitters, no conflicts (2 of 4 stars). 3 submissions from 3 submitters: Uncertain significance (3). Last evaluated 2025-10-08.

Conditions:
Inborn genetic diseases. Identifiers: MedGen C0950123, MeSH D030342.
Bethlem myopathy 1A. Also called: Bethlem Muscular Dystrophy; Bethlem myopathy 1; MYOPATHY, BENIGN CONGENITAL, WITH CONTRACTURES. Identifiers: Orphanet 610, MedGen CN029274, MONDO:0024530, OMIM 158810.

Allele frequency attached by ClinVar (database versions not stated): ExAC 0.00001; gnomAD 0.00001; gnomAD exomes 0.00001; TOPMed 0.00001; ESP Exome Variant Server 0.00015.
gnomAD v4.1: 13 of 1,613,970 alleles (0.00081%); highest among the groups gnomAD compares: Non-Finnish European, 0.0011%; no homozygotes.

Submissions (3):

Ambry Genetics
Classification: Uncertain significance for Inborn genetic diseases. Last evaluated: 2025-10-08. Review status: criteria provided, single submitter. Criteria: Ambry Variant Classification Scheme 2023. Collection method: clinical testing. Allele origin: germline.

Labcorp Genetics (formerly Invitae), Labcorp
Classification: Uncertain significance for Bethlem myopathy 1A. Last evaluated: 2024-12-03. Review status: criteria provided, single submitter. Criteria: Invitae Variant Classification Sherloc (09022015). Collection method: clinical testing. Allele origin: germline.
Comment: This sequence change replaces proline, which is neutral and non-polar, with arginine, which is basic and polar, at codon 87 of the COL6A3 protein (p.Pro87Arg). This variant is present in population databases (rs200887514, gnomAD 0.002%). This variant has not been reported in the literature in individuals affected with COL6A3-related conditions. ClinVar contains an entry for this variant (Variation ID: 641765). Invitae Evidence Modeling of protein sequence and biophysical properties (such as structural, functional, and spatial information, amino acid conservation, physicochemical variation, residue mobility, and thermodynamic stability) indicates that this missense variant is not expected to disrupt COL6A3 protein function with a negative predictive value of 95%. In summary, the available evidence is currently insufficient to determine the role of this variant in disease. Therefore, it has been classified as a Variant of Uncertain Significance.

Revvity Omics, Revvity
Classification: Uncertain significance. Last evaluated: 2024-05-20. Review status: criteria provided, single submitter. Criteria: ACMG Guidelines, 2015. Collection method: clinical testing. Allele origin: germline.